The following is an entry in ClinVar:

NM_001267550.2(TTN):c.51897del (p.Leu17300fs)

Genes: TTN (titin; minus strand), TTN-AS1 (TTN antisense RNA 1; plus strand). Cytogenetic location: 2q31.2.
Variant type: Deletion.
Coding change: c.51897del on transcript NM_001267550.2 (MANE Select); coding-DNA position 51897, one base deleted (C; older notation c.51897delC).
Protein change: p.Leu17300fs; shifts the reading frame from leucine 17300.
Molecular consequence: frameshift variant.
Genome position (GRCh38, 1-based): chr2:178,609,413, G deleted on the plus strand (C on the coding strand, the reverse complement: TTN is on the minus strand); the first of 3 consecutive G bases (chr2:178,609,413-178,609,415); deleting any one gives the same sequence. VCF-style (leftmost placement, unchanged base first): chr2-178609412-AG-A. GRCh37 (hg19) VCF-style: chr2-179474139-AG-A.
Other names: c.46974del, p.Leu15659fs (NM_001256850.1); c.24702del, p.Leu8235fs (NM_003319.4); c.44193del, p.Leu14732fs (NM_133378.4); c.25077del, p.Leu8360fs (NM_133432.3); c.25278del, p.Leu8427fs (NM_133437.4); short protein forms L14732fs, L15659fs, L17300fs, L8235fs, L8360fs, L8427fs.
Identifiers: ClinVar variation 3760271 (VCV003760271.2).

ClinVar aggregate classification (germline): Likely pathogenic (1 of 4 stars; one submission).

Conditions:
Dilated cardiomyopathy 1G (CMD1G). Identifiers: Orphanet 154, MedGen C1858763, MONDO:0011400, OMIM 604145.
Autosomal recessive limb-girdle muscular dystrophy type 2J (LGMDR10). Also called: Limb-girdle muscular dystrophy, type 2J; MUSCULAR DYSTROPHY, LIMB-GIRDLE, AUTOSOMAL RECESSIVE 10. Identifiers: Orphanet 140922, MedGen C1837342, MONDO:0012127, OMIM 608807.

Submission:

Labcorp Genetics (formerly Invitae), Labcorp
Classification: Likely pathogenic for Dilated cardiomyopathy 1G; Autosomal recessive limb-girdle muscular dystrophy type 2J. Last evaluated: 2025-01-12. Review status: criteria provided, single submitter. Criteria: Invitae Variant Classification Sherloc (09022015). Collection method: clinical testing. Allele origin: germline.
Comment: This sequence change creates a premature translational stop signal (p.Leu17300Trpfs*19) in the TTN gene. While this is not anticipated to result in nonsense mediated decay, it is expected to create a truncated TTN protein. This variant is not present in population databases (gnomAD no frequency). This premature translational stop signal has been observed in individual(s) with clinical features of dilated cardiomyopathy (internal data). This variant is located in the A band of TTN (PMID: 25589632). Truncating variants in this region are significantly overrepresented in patients affected with dilated cardiomyopathy (PMID: 25589632). Truncating variants in this region have also been reported in individuals affected with autosomal recessive centronuclear myopathy (PMID: 23975875). In summary, the currently available evidence indicates that the variant is pathogenic, but additional data are needed to prove that conclusively. Therefore, this variant has been classified as Likely Pathogenic.

Literature cited by the submitters: PubMed 25589632; PubMed 23975875.